The following is an entry in ClinVar:

ClinVar aggregate classification (germline): Uncertain significance (1 of 4 stars; one submission).

Submission:

Labcorp Genetics (formerly Invitae), Labcorp
Classification: Uncertain significance. Last evaluated: 2025-04-16. Review status: criteria provided, single submitter. Criteria: Invitae Variant Classification Sherloc (09022015). Collection method: clinical testing. Allele origin: germline.
Comment: This sequence change falls in intron 2 of the ARL3 gene. It does not directly change the encoded amino acid sequence of the ARL3 protein. It affects a nucleotide within the consensus splice site. This variant is not present in population databases (gnomAD no frequency). This variant has not been reported in the literature in individuals affected with ARL3-related conditions. ClinVar contains an entry for this variant (Variation ID: 1496683). Variants that disrupt the consensus splice site are a relatively common cause of aberrant splicing (PMID: 17576681, 9536098). Algorithms developed to predict the effect of sequence changes on RNA splicing suggest that this variant is not likely to affect RNA splicing. In summary, the available evidence is currently insufficient to determine the role of this variant in disease. Therefore, it has been classified as a Variant of Uncertain Significance.

Literature cited by the submitters: PubMed 17576681; PubMed 9536098.

NM_004311.4(ARL3):c.148-3C>T

Gene: ARL3 (ARF like GTPase 3; minus strand). Cytogenetic location: 10q24.32.
Variant type: single nucleotide variant.
Coding change: c.148-3C>T on transcript NM_004311.4 (MANE Select); 3 bases into the intron before coding-DNA position 148, C replaced by T.
Molecular consequence: intron variant.
Genome position (GRCh38, 1-based): chr10:102,699,492, G>A on the plus strand (C>T on the coding strand, the complement: ARL3 is on the minus strand). VCF-style: chr10-102699492-G-A. GRCh37 (hg19) VCF-style: chr10-104459249-G-A.
Identifiers: ClinVar variation 1496683 (VCV001496683.6), dbSNP rs2136005346, ClinGen allele CA2573145499.